The following is an entry in ClinVar:

ClinVar aggregate classification (germline): Uncertain significance. Review status: criteria provided, multiple submitters, no conflicts (2 of 4 stars). 3 submissions from 3 submitters: Uncertain significance (3). Last evaluated 2026-02-26.

Conditions:
Kufor-Rakeb syndrome (KRS). Also called: PARKINSON DISEASE 9, AUTOSOMAL RECESSIVE, JUVENILE-ONSET. Identifiers: Orphanet 306674, Orphanet 314632, MedGen C1847640, MONDO:0011706, OMIM 606693.
Autosomal recessive spastic paraplegia type 78. Identifiers: Orphanet 513436, MedGen C5567893, MONDO:0014975, OMIM 617225.

Allele frequency attached by ClinVar (database versions not stated): ExAC 0.00001; gnomAD 0.00001; gnomAD exomes 0.00001 and 0.00002; TOPMed 0.00001.
gnomAD v4.1: 24 of 1,613,596 alleles (0.0015%); highest among the groups gnomAD compares: Non-Finnish European, 0.0019%; no homozygotes.

Submissions (3):

GeneDx
Classification: Uncertain significance. Last evaluated: 2026-02-26. Review status: criteria provided, single submitter. Criteria: GeneDx Variant Classification Process June 2021. Collection method: clinical testing. Allele origin: germline.
Comment: Not observed at significant frequency in large population cohorts (gnomAD); In silico analysis supports that this missense variant has a deleterious effect on protein structure/function; Has not been previously published as pathogenic or benign to our knowledge

Blueprint Genetics
Classification: Uncertain significance. Last evaluated: 2024-10-04. Review status: criteria provided, single submitter. Criteria: ACMG Guidelines, 2015. Collection method: clinical testing. Allele origin: germline.

Labcorp Genetics (formerly Invitae), Labcorp
Classification: Uncertain significance for Kufor-Rakeb syndrome; Autosomal recessive spastic paraplegia type 78. Last evaluated: 2022-06-28. Review status: criteria provided, single submitter. Criteria: Invitae Variant Classification Sherloc (09022015). Collection method: clinical testing. Allele origin: germline.
Comment: This sequence change replaces valine, which is neutral and non-polar, with phenylalanine, which is neutral and non-polar, at codon 622 of the ATP13A2 protein (p.Val622Phe). This variant is present in population databases (rs779367060, gnomAD 0.005%). This variant has not been reported in the literature in individuals affected with ATP13A2-related conditions. ClinVar contains an entry for this variant (Variation ID: 952741). Advanced modeling of protein sequence and biophysical properties (such as structural, functional, and spatial information, amino acid conservation, physicochemical variation, residue mobility, and thermodynamic stability) performed at Invitae indicates that this missense variant is not expected to disrupt ATP13A2 protein function. In summary, the available evidence is currently insufficient to determine the role of this variant in disease. Therefore, it has been classified as a Variant of Uncertain Significance.

NM_022089.4(ATP13A2):c.1864G>T (p.Val622Phe)

Gene: ATP13A2 (ATPase cation transporting 13A2; minus strand). Cytogenetic location: 1p36.13.
Variant type: single nucleotide variant.
Coding change: c.1864G>T on transcript NM_022089.4 (MANE Select); coding-DNA position 1864, G replaced by T.
Protein change: p.Val622Phe; replaces valine 622 with phenylalanine.
Molecular consequence: missense variant.
Genome position (GRCh38, 1-based): chr1:16,992,384, C>A on the plus strand (G>T on the coding strand, the complement: ATP13A2 is on the minus strand). VCF-style: chr1-16992384-C-A. GRCh37 (hg19) VCF-style: chr1-17318879-C-A.
Other names: c.1849G>T, p.Val617Phe (NM_001141973.3, NM_001141974.3); c.1864G>T (NM_022089.2); short protein forms V617F, V622F.
Identifiers: ClinVar variation 952741 (VCV000952741.7), dbSNP rs779367060, ClinGen allele CA637048.